The following is an entry in ClinVar:

NM_004586.3(RPS6KA3):c.425A>G (p.Lys142Arg)

Gene: RPS6KA3 (ribosomal protein S6 kinase A3; minus strand). Cytogenetic location: Xp22.12.
Variant type: single nucleotide variant.
Coding change: c.425A>G on transcript NM_004586.3 (MANE Select); coding-DNA position 425, A replaced by G.
Protein change: p.Lys142Arg; replaces lysine 142 with arginine.
Molecular consequence: missense variant.
Genome position (GRCh38, 1-based): chrX:20,194,250, T>C on the plus strand (A>G on the coding strand, the complement: RPS6KA3 is on the minus strand). VCF-style: chrX-20194250-T-C. GRCh37 (hg19) VCF-style: chrX-20212368-T-C.
Other names: short protein forms K142R.
Identifiers: ClinVar variation 2663704 (VCV002663704.2), dbSNP rs2519759794, ClinGen allele CA412510410.

ClinVar aggregate classification (germline): Uncertain significance (1 of 4 stars; one submission).

Submission:

GeneDx
Classification: Uncertain significance. Last evaluated: 2026-08-14. Review status: criteria provided, single submitter. Criteria: GeneDx Variant Classification Process June 2021. Collection method: clinical testing. Allele origin: germline.
Comment: Not observed at significant frequency in large population cohorts (gnomAD); In silico analysis supports that this missense variant has a deleterious effect on protein structure/function; Has not been previously published as pathogenic or benign to our knowledge